The following is an entry in ClinVar:

NM_004385.5(VCAN):c.2737G>A (p.Glu913Lys)

Gene: VCAN (versican; plus strand). Cytogenetic location: 5q14.3.
Variant type: single nucleotide variant.
Coding change: c.2737G>A on transcript NM_004385.5 (MANE Select); coding-DNA position 2737, G replaced by A.
Protein change: p.Glu913Lys; replaces glutamic acid 913 with lysine.
Molecular consequence: missense variant. On other transcripts: intron variant (2).
Genome position (GRCh38, 1-based): chr5:83,521,043, G>A. VCF-style: chr5-83521043-G-A. GRCh37 (hg19) VCF-style: chr5-82816862-G-A.
Other names: c.2737G>A, p.Glu913Lys (NM_001164098.2); c.1042+8647G>A (NM_001164097.2, NM_001126336.3); short protein forms E913K.
Identifiers: ClinVar variation 2816636 (VCV002816636.3), dbSNP rs756671868, ClinGen allele CA3332886.

ClinVar aggregate classification (germline): Uncertain significance (1 of 4 stars; one submission).

Allele frequency attached by ClinVar (database versions not stated): gnomAD exomes 0.00001; ExAC 0.00002.
gnomAD v4.1: 5 of 1,614,076 alleles (0.00031%); highest among the groups gnomAD compares: South Asian, 0.0055%; no homozygotes.

Submission:

Labcorp Genetics (formerly Invitae), Labcorp
Classification: Uncertain significance. Last evaluated: 2023-01-24. Review status: criteria provided, single submitter. Criteria: Invitae Variant Classification Sherloc (09022015). Collection method: clinical testing. Allele origin: germline.
Comment: This sequence change replaces glutamic acid, which is acidic and polar, with lysine, which is basic and polar, at codon 913 of the VCAN protein (p.Glu913Lys). This variant is present in population databases (rs756671868, gnomAD 0.01%). This variant has not been reported in the literature in individuals affected with VCAN-related conditions. Algorithms developed to predict the effect of missense changes on protein structure and function output the following: SIFT: "Tolerated"; PolyPhen-2: "Benign"; Align-GVGD: "Class C0". The lysine amino acid residue is found in multiple mammalian species, which suggests that this missense change does not adversely affect protein function. In summary, the available evidence is currently insufficient to determine the role of this variant in disease. Therefore, it has been classified as a Variant of Uncertain Significance.